The following is an entry in ClinVar:

ClinVar aggregate classification (germline): Likely pathogenic (1 of 4 stars; one submission).

Conditions:
Multiple endocrine neoplasia type 4. Also called: MULTIPLE ENDOCRINE NEOPLASIA, TYPE IV. Identifiers: Orphanet 276152, MedGen C1970712, MONDO:0012552, OMIM 610755.

Submission:

Institute of Human Genetics, University of Leipzig Medical Center
Classification: Likely pathogenic for Multiple endocrine neoplasia type 4. Last evaluated: 2024-10-10. Review status: criteria provided, single submitter. Criteria: ACMG Guidelines, 2015. Collection method: clinical testing. Allele origin: unknown. Inheritance: Autosomal dominant inheritance. Affected: yes.
Comment: Criteria applied: PVS1,PM2_SUP

NM_004064.5(CDKN1B):c.18del (p.Ser7fs)

Gene: CDKN1B (cyclin dependent kinase inhibitor 1B; plus strand). Cytogenetic location: 12p13.1.
Variant type: Deletion.
Coding change: c.18del on transcript NM_004064.5 (MANE Select); coding-DNA position 18, one base deleted (G; older notation c.18delG).
Protein change: p.Ser7fs; shifts the reading frame from serine 7.
Molecular consequence: frameshift variant.
Genome position (GRCh38, 1-based): chr12:12,717,857, G deleted. VCF-style (leftmost placement, unchanged base first): chr12-12717856-TG-T. GRCh37 (hg19) VCF-style: chr12-12870790-TG-T.
Other names: short protein forms S7fs.
Identifiers: ClinVar variation 3376162 (VCV003376162.3).